The following is an entry in ClinVar:

ClinVar aggregate classification (germline): Uncertain significance (1 of 4 stars; one submission).

Conditions:
Oto-palato-digital syndrome, type II (OPD2). Also called: Otopalatodigital Syndrome Type 2 (FLNA-OPD2); FACIOPALATOOSSEOUS SYNDROME; OPD II SYNDROME; Otopalatodigital Syndrome, Type II. Identifiers: Orphanet 669, Orphanet 90652, MedGen C1844696, MONDO:0010571, OMIM 304120.
Heterotopia, periventricular, X-linked dominant (PVNH1). Also called: PERIVENTRICULAR NODULAR HETEROTOPIA 1; X-linked periventricular heterotopia; PERIVENTRICULAR NODULAR HETEROTOPIA 4; HETEROTOPIA, PERIVENTRICULAR, 1. Identifiers: Orphanet 2149, Orphanet 82004, MedGen C1848213, MONDO:0010233, OMIM 300049.
Melnick-Needles syndrome (MNS). Also called: Melnick-Needles Syndrome (FLNA-MNS); MELNICK-NEEDLES OSTEODYSPLASTY; OSTEODYSPLASTY OF MELNICK AND NEEDLES. Identifiers: Orphanet 2484, MedGen C0025237, MONDO:0010650, OMIM 309350.
Frontometaphyseal dysplasia (FMD1). Identifiers: Orphanet 1826, MedGen C0265293, MONDO:0015942.

Submission:

Labcorp Genetics (formerly Invitae), Labcorp
Classification: Uncertain significance for Oto-palato-digital syndrome, type II; Heterotopia, periventricular, X-linked dominant; Frontometaphyseal dysplasia; Melnick-Needles syndrome. Last evaluated: 2025-08-10. Review status: criteria provided, single submitter. Criteria: Invitae Variant Classification Sherloc (09022015). Collection method: clinical testing. Allele origin: germline.
Comment: This sequence change replaces isoleucine, which is neutral and non-polar, with threonine, which is neutral and polar, at codon 654 of the FLNA protein (p.Ile654Thr). This variant is not present in population databases (gnomAD no frequency). This variant has not been reported in the literature in individuals affected with FLNA-related conditions. ClinVar contains an entry for this variant (Variation ID: 2929851). Invitae Evidence Modeling of protein sequence and biophysical properties (such as structural, functional, and spatial information, amino acid conservation, physicochemical variation, residue mobility, and thermodynamic stability) has been performed for this missense variant. However, the output from this modeling did not meet the statistical confidence thresholds required to predict the impact of this variant on FLNA protein function. In summary, the available evidence is currently insufficient to determine the role of this variant in disease. Therefore, it has been classified as a Variant of Uncertain Significance.

NM_001110556.2(FLNA):c.1961T>C (p.Ile654Thr)

Gene: FLNA (filamin A; minus strand). Cytogenetic location: Xq28.
Variant type: single nucleotide variant.
Coding change: c.1961T>C on transcript NM_001110556.2 (MANE Select); coding-DNA position 1961, T replaced by C.
Protein change: p.Ile654Thr; replaces isoleucine 654 with threonine.
Molecular consequence: missense variant.
Genome position (GRCh38, 1-based): chrX:154,364,587, A>G on the plus strand (T>C on the coding strand, the complement: FLNA is on the minus strand). VCF-style: chrX-154364587-A-G. GRCh37 (hg19) VCF-style: chrX-153592955-A-G.
Other names: c.1961T>C, p.Ile654Thr (NM_001456.4); short protein forms I654T.
Identifiers: ClinVar variation 2929851 (VCV002929851.3), dbSNP rs2522754669, ClinGen allele CA415241401.